The following is an entry in ClinVar:

ClinVar aggregate classification (germline): Likely benign (1 of 4 stars; one submission).

gnomAD v4.1: 10,265 of 1,559,350 alleles (0.66%); highest among the groups gnomAD compares: Admixed American, 0.79%; 437 homozygotes.

Submissions (2):

CeGaT Center for Human Genetics Tuebingen
Classification: Likely benign. Last evaluated: 2026-02-01. Review status: criteria provided, single submitter. Criteria: CeGaT Center For Human Genetics Tuebingen Variant Classification Criteria Version 2. Collection method: clinical testing. Allele origin: germline. Affected: yes. Observed: 3 variant alleles.
Comment: ADAMTS7: BP4, BS2

Dr. Peter K. Rogan Lab, Western University
No classification provided (evidence only). Condition: Thyroid cancer, nonmedullary, 1. Review status: no classification provided. Collection method: in vitro. Allele origin: not applicable. Functional consequence: retained intron. Not counted in ClinVar's aggregate classification.

NM_014272.5(ADAMTS7):c.3373C>A (p.Leu1125Met)

Gene: ADAMTS7 (ADAM metallopeptidase with thrombospondin type 1 motif 7; minus strand). Cytogenetic location: 15q25.1.
Variant type: single nucleotide variant.
Coding change: c.3373C>A on transcript NM_014272.5 (MANE Select); coding-DNA position 3373, C replaced by A.
Protein change: p.Leu1125Met; replaces leucine 1125 with methionine.
Molecular consequence: missense variant.
Genome position (GRCh38, 1-based): chr15:78,766,538, G>T on the plus strand (C>A on the coding strand, the complement: ADAMTS7 is on the minus strand). VCF-style: chr15-78766538-G-T. GRCh37 (hg19) VCF-style: chr15-79058880-G-T.
Other names: NC_000015.9:g.79058880G>T; short protein forms L1125M.
Identifiers: ClinVar variation 3898325 (VCV003898325.8).
Genomic context (GRCh38, chr15:78,766,538, plus strand): 5'-AGGGTGGGGGTGGGGAGCGGCCGGCCTGGCTAGGCCAAGGGCTCGGGGACCAAGGTCCCA[G>T]TACCCCCTCCTCCTTGGCTGCAGGAGGCTCTGTGGCAGGCACGGGGCTACCCGTGGAGGG-3'
Protein context (NP_055087.2, residues 1115-1135): EPPAAKEEGV[Leu1125Met]GPWSPSPWPS